The following is an entry in ClinVar:

ClinVar aggregate classification (germline): Likely benign (1 of 4 stars; one submission).

Submission:

CeGaT Center for Human Genetics Tuebingen
Classification: Likely benign. Last evaluated: 2026-06-01. Review status: criteria provided, single submitter. Criteria: CeGaT Center For Human Genetics Tuebingen Variant Classification Criteria Version 2. Collection method: clinical testing. Allele origin: germline. Affected: yes. Observed: 1 variant allele.
Comment: FMN2: BP4, BP7

NM_020066.5(FMN2):c.2808T>A (p.Pro936=)

Gene: FMN2 (formin 2; plus strand). Cytogenetic location: 1q43.
Variant type: single nucleotide variant.
Coding change: c.2808T>A on transcript NM_020066.5 (MANE Select); coding-DNA position 2808, T replaced by A.
Protein change: p.Pro936=; no amino-acid change (proline 936 retained).
Molecular consequence: synonymous variant. On other transcripts: intron variant (1).
Genome position (GRCh38, 1-based): chr1:240,207,620, T>A. VCF-style: chr1-240207620-T-A. GRCh37 (hg19) VCF-style: chr1-240370920-T-A.
Other names: c.2820T>A, p.Pro940= (NM_001305424.2); c.1986+19358T>A (NM_001348094.2).
Identifiers: ClinVar variation 4873705 (VCV004873705.2).